The following is an entry in ClinVar:

ClinVar aggregate classification (germline): Benign/Likely benign. Review status: criteria provided, multiple submitters, no conflicts (2 of 4 stars). 5 submissions from 5 submitters: Benign (1); Likely benign (4). Last evaluated 2025-12-01.

Conditions:
Intellectual developmental disorder, X-linked 1. Also called: Intellectual disability, X-linked 1; Atkin Flaitz Patil Smith syndrome; MENTAL RETARDATION, X-LINKED 18; MENTAL RETARDATION, X-LINKED 78. Identifiers: Orphanet 777, MedGen C2931498, MONDO:0010656, OMIM 309530.

Allele frequency attached by ClinVar (database versions not stated): gnomAD 0.00002; gnomAD exomes 0.00005 and 0.00003; TOPMed 0.00003; ExAC 0.00009; 1000 Genomes Project 30x 0.00021; 1000 Genomes Project 0.00026.
gnomAD v4.1: 41 of 1,210,242 alleles (0.0034%); highest among the groups gnomAD compares: South Asian, 0.046%; no homozygotes.

Submissions (6):

Labcorp Genetics (formerly Invitae), Labcorp
Classification: Benign for Intellectual developmental disorder, X-linked 1. Last evaluated: 2025-12-01. Review status: criteria provided, single submitter. Criteria: Invitae Variant Classification Sherloc (09022015). Collection method: clinical testing. Allele origin: germline.

Women's Health and Genetics/Laboratory Corporation of America, LabCorp
Classification: Likely benign. Last evaluated: 2025-03-18. Review status: criteria provided, single submitter. Criteria: LabCorp Variant Classification Summary - May 2015. Collection method: clinical testing. Allele origin: germline.

CeGaT Center for Human Genetics Tuebingen
Classification: Likely benign. Last evaluated: 2025-01-01. Review status: criteria provided, single submitter. Criteria: CeGaT Center For Human Genetics Tuebingen Variant Classification Criteria Version 2. Collection method: clinical testing. Allele origin: germline. Affected: yes. Observed: 1 variant allele.
Comment: IQSEC2: BP4, BP7, BS2

GeneDx
Classification: Likely benign. Last evaluated: 2020-02-24. Review status: criteria provided, single submitter. Criteria: GeneDx Variant Classification Process June 2021. Collection method: clinical testing. Allele origin: germline. Affected: yes.

Genetic Services Laboratory, University of Chicago
Classification: Likely benign. Last evaluated: 2017-03-03. Review status: criteria provided, single submitter. Criteria: ACMG Guidelines, 2015. Collection method: clinical testing. Allele origin: germline. Affected: no.

Dr. Peter K. Rogan Lab, Western University
No classification provided (evidence only). Condition: Thyroid cancer, nonmedullary, 1. Review status: no classification provided. Collection method: in vitro. Allele origin: not applicable. Functional consequence: retained intron. Not counted in ClinVar's aggregate classification.

NM_001111125.3(IQSEC2):c.2052C>T (p.Cys684=)

Gene: IQSEC2 (IQ motif and Sec7 domain ArfGEF 2; minus strand). Cytogenetic location: Xp11.22.
Variant type: single nucleotide variant.
Coding change: c.2052C>T on transcript NM_001111125.3 (MANE Select); coding-DNA position 2052, C replaced by T.
Protein change: p.Cys684=; no amino-acid change (cysteine 684 retained).
Molecular consequence: synonymous variant.
Genome position (GRCh38, 1-based): chrX:53,250,524, G>A on the plus strand (C>T on the coding strand, the complement: IQSEC2 is on the minus strand). VCF-style: chrX-53250524-G-A. GRCh37 (hg19) VCF-style: chrX-53279706-G-A.
Other names: c.1437C>T, p.Cys479= (NM_015075.2).
Identifiers: ClinVar variation 435523 (VCV000435523.30), dbSNP rs782132072, ClinGen allele CA10419982.